The following is an entry in ClinVar:

ClinVar aggregate classification (germline): Uncertain significance (1 of 4 stars; one submission).

Conditions:
Gnathodiaphyseal dysplasia (GDD). Also called: GNATHODIAPHYSEAL SCLEROSIS; OSTEOGENESIS IMPERFECTA WITH UNUSUAL SKELETAL LESIONS. Identifiers: Orphanet 53697, MedGen C1833736, MONDO:0008151, OMIM 166260.
Autosomal recessive limb-girdle muscular dystrophy type 2L (LGMDR12). Also called: Limb-girdle muscular dystrophy, type 2L; MUSCULAR DYSTROPHY, LIMB-GIRDLE, AUTOSOMAL RECESSIVE 12; Limb-Girdle Muscular Dystrophy R12 Anoctamin-5-Related (LGMD-R12). Identifiers: Orphanet 206549, MedGen C1969785, MONDO:0012652, OMIM 611307.

gnomAD v4.1: 8 of 1,613,010 alleles (0.0005%); highest among the groups gnomAD compares: East Asian, 0.013%; no homozygotes.

Submission:

Labcorp Genetics (formerly Invitae), Labcorp
Classification: Uncertain significance for Autosomal recessive limb-girdle muscular dystrophy type 2L; Gnathodiaphyseal dysplasia. Last evaluated: 2023-03-17. Review status: criteria provided, single submitter. Criteria: Invitae Variant Classification Sherloc (09022015). Collection method: clinical testing. Allele origin: germline.
Comment: In summary, the available evidence is currently insufficient to determine the role of this variant in disease. Therefore, it has been classified as a Variant of Uncertain Significance. Advanced modeling of protein sequence and biophysical properties (such as structural, functional, and spatial information, amino acid conservation, physicochemical variation, residue mobility, and thermodynamic stability) has been performed at Invitae for this missense variant, however the output from this modeling did not meet the statistical confidence thresholds required to predict the impact of this variant on ANO5 protein function. This variant has not been reported in the literature in individuals affected with ANO5-related conditions. This variant is not present in population databases (gnomAD no frequency). This sequence change replaces proline, which is neutral and non-polar, with leucine, which is neutral and non-polar, at codon 4 of the ANO5 protein (p.Pro4Leu).

NM_213599.3(ANO5):c.11C>T (p.Pro4Leu)

Gene: ANO5 (anoctamin 5; plus strand). Cytogenetic location: 11p14.3.
Variant type: single nucleotide variant.
Coding change: c.11C>T on transcript NM_213599.3 (MANE Select); coding-DNA position 11, C replaced by T.
Protein change: p.Pro4Leu; replaces proline 4 with leucine.
Molecular consequence: missense variant.
Genome position (GRCh38, 1-based): chr11:22,193,503, C>T. VCF-style: chr11-22193503-C-T. GRCh37 (hg19) VCF-style: chr11-22215049-C-T.
Other names: c.11C>T, p.Pro4Leu (NM_001142649.2, NM_001410963.1, NM_001410964.1); short protein forms P4L.
Identifiers: ClinVar variation 2943432 (VCV002943432.3), dbSNP rs376116831, ClinGen allele CA379921894.
Genomic context (GRCh38, chr11:22,193,503, plus strand): 5'-CCCTCTCCTGCTGCCTCTCAGGCACCAGTGCCATTAACGAGCTGGCGAAGATGGGCGACC[C>T]GGATCTCCTGGAAGTGTTGGCGGAGGAAGGTAGGACCGCGCCAAGAGGCGTCAAGGGAGA-3'
Protein context (NP_998764.1, residues 1-14): MGD[Pro4Leu]DLLEVLAEEG